The following is an entry in ClinVar:

ClinVar aggregate classification (germline): Uncertain significance (1 of 4 stars; one submission).

Conditions:
Hereditary cancer-predisposing syndrome. Also called: Neoplastic Syndromes, Hereditary; Tumor predisposition; Hereditary neoplastic syndrome; Hereditary Cancer Syndrome. Identifiers: Orphanet 140162, MedGen C0027672, MeSH D009386, MONDO:0015356.

Submission:

Ambry Genetics
Classification: Uncertain significance for Hereditary cancer-predisposing syndrome. Last evaluated: 2023-10-23. Review status: criteria provided, single submitter. Criteria: Ambry Variant Classification Scheme 2023. Collection method: clinical testing. Allele origin: germline.
Comment: The p.L204P variant (also known as c.611T>C), located in coding exon 6 of the TSC2 gene, results from a T to C substitution at nucleotide position 611. The leucine at codon 204 is replaced by proline, an amino acid with similar properties. This amino acid position is conserved. In addition, this alteration is predicted to be deleterious by in silico analysis. Since supporting evidence is limited at this time, the clinical significance of this alteration remains unclear.

NM_000548.5(TSC2):c.611T>C (p.Leu204Pro)

Gene: TSC2 (TSC complex subunit 2; plus strand). Cytogenetic location: 16p13.3.
Variant type: single nucleotide variant.
Coding change: c.611T>C on transcript NM_000548.5 (MANE Select); coding-DNA position 611, T replaced by C.
Protein change: p.Leu204Pro; replaces leucine 204 with proline.
Molecular consequence: missense variant. On other transcripts: 5 prime UTR variant (10), non-coding transcript variant (5).
Genome position (GRCh38, 1-based): chr16:2,056,207, T>C. VCF-style: chr16-2056207-T-C. GRCh37 (hg19) VCF-style: chr16-2106208-T-C.
Other names: c.611T>C, p.Leu204Pro (NM_001077183.3, NM_001114382.3, NM_001363528.2 and 8 more transcripts); c.500T>C, p.Leu167Pro (NM_001318827.2, NM_001406670.1, NM_001406678.1); c.464T>C, p.Leu155Pro (NM_001318829.2, NM_001406675.1, NM_001406676.1 and 1 more transcripts); c.11T>C, p.Leu4Pro (NM_001318831.2, NM_001406680.1, NM_001406682.1 and 6 more transcripts); c.644T>C, p.Leu215Pro (NM_001318832.2); c.701T>C, p.Leu234Pro (NM_001406667.1, NM_001406668.1); c.554T>C, p.Leu185Pro (NM_001406677.1); c.149T>C, p.Leu50Pro (NM_001406681.1); and 4 more; short protein forms L155P, L167P, L185P, L204P, L215P, L234P, L4P, L50P.
Identifiers: ClinVar variation 3232199 (VCV003232199.1), dbSNP rs2548449890, ClinGen allele CA394310678.
Genomic context (GRCh38, chr16:2,056,207, plus strand): 5'-TCGGCCATCCAGGCAGTGCTGCCGGGACTGAGCTCGGTGCTCCCTGCAGGATGATCTGTC[T>C]GCTGTGCGTCCGGACCGCGTCCTCTGTGGACATAGAGGTCAGTGCCTCCCCTCCCCAGGG-3'
Protein context (NP_000539.2, residues 194-214): YIARMVQMIC[Leu204Pro]LCVRTASSVD